The following is an entry in ClinVar:

NM_000059.4(BRCA2):c.3477C>A (p.Cys1159Ter)

Gene: BRCA2 (BRCA2 DNA repair associated; plus strand). Cytogenetic location: 13q13.1.
Variant type: single nucleotide variant.
Coding change: c.3477C>A on transcript NM_000059.4 (MANE Select); coding-DNA position 3477, C replaced by A.
Protein change: p.Cys1159Ter; replaces cysteine 1159 with a stop codon.
Molecular consequence: nonsense.
Genome position (GRCh38, 1-based): chr13:32,337,832, C>A. VCF-style: chr13-32337832-C-A. GRCh37 (hg19) VCF-style: chr13-32911969-C-A.
Other names: 3705C>A; short protein forms C1159*.
Identifiers: ClinVar variation 96791 (VCV000096791.9), dbSNP rs431825307, ClinGen allele CA018138.
Genomic context (GRCh38, chr13:32,337,832, plus strand): 5'-GAGTACATTTGAAGTGCCTGAAAACCAGATGACTATCTTAAAGACCACTTCTGAGGAATG[C>A]AGAGATGCTGATCTTCATGTCATAATGAATGCCCCATCGATTGGTCAGGTAGACAGCAGC-3'

ClinVar aggregate classification (germline): Pathogenic. Review status: reviewed by expert panel (3 of 4 stars). 6 submissions from 6 submitters: Pathogenic (1). 5 of the submissions do not count toward it. Last evaluated 2016-09-08.

Conditions:
Hereditary cancer-predisposing syndrome. Also called: Hereditary Cancer Syndrome; Neoplastic Syndromes, Hereditary; Hereditary neoplastic syndrome; Tumor predisposition. Identifiers: Orphanet 140162, MedGen C0027672, MeSH D009386, MONDO:0015356.
Breast-ovarian cancer, familial, susceptibility to, 2 (BROVCA2). Also called: BRCA2 Hereditary Breast and Ovarian Cancer. Identifiers: Orphanet 145, MedGen C2675520, MONDO:0012933, OMIM 612555. Disease mechanism: loss of function.

Submissions (6):

Evidence-based Network for the Interpretation of Germline Mutant Alleles (ENIGMA)
Classification: Pathogenic for Breast-ovarian cancer, familial, susceptibility to, 2. Last evaluated: 2016-09-08. Review status: reviewed by expert panel. Criteria: ENIGMA BRCA1/2 Classification Criteria (2015). Collection method: curation. Allele origin: germline.
Comment: Variant allele predicted to encode a truncated non-functional protein.

Color Diagnostics, LLC DBA Color Health
Classification: Pathogenic for Hereditary cancer-predisposing syndrome. Last evaluated: 2025-09-05. Review status: criteria provided, single submitter. Criteria: ACMG Guidelines, 2015. Collection method: clinical testing. Allele origin: germline. Not counted in ClinVar's aggregate classification.
Comment: This variant changes 1 nucleotide in exon 11 of the BRCA2 gene, creating a premature translation stop signal. This variant is expected to result in an absent or non-functional protein product. To our knowledge, this variant has not been reported in individuals affected with BRCA2-related disorders in the literature. This variant has not been identified in the general population by the Genome Aggregation Database (gnomAD). Loss of BRCA2 function is a known mechanism of disease. Based on the available evidence, this variant is classified as Pathogenic.

Ambry Genetics
Classification: Pathogenic for Hereditary cancer-predisposing syndrome. Last evaluated: 2024-09-16. Review status: criteria provided, single submitter. Criteria: Ambry Variant Classification Scheme 2023. Collection method: clinical testing. Allele origin: germline. Not counted in ClinVar's aggregate classification.
Comment: The p.C1159* pathogenic mutation (also known as c.3477C>A), located in coding exon 10 of the BRCA2 gene, results from a C to A substitution at nucleotide position 3477. This changes the amino acid from a cysteine to a stop codon within coding exon 10. This variant is considered to be rare based on population cohorts in the Genome Aggregation Database (gnomAD). This alteration is expected to result in loss of function by premature protein truncation or nonsense-mediated mRNA decay. As such, this alteration is interpreted as a disease-causing mutation.

GeneDx
Classification: Pathogenic. Last evaluated: 2016-03-22. Review status: criteria provided, single submitter. Criteria: GeneDx Variant Classification (06012015). Collection method: clinical testing. Allele origin: germline. Affected: yes. Not counted in ClinVar's aggregate classification.
Comment: This variant is denoted BRCA2 c.3477C>A at the cDNA level and p.Cys1159Ter (C1159X) at the protein level. The substitution creates a nonsense variant, which changes a Cysteine to a premature stop codon (TGC>TGA), and is predicted to cause loss of normal protein function through either protein truncation or nonsense-mediated mRNA decay. Although this variant has not, to our knowledge, been reported in the literature, it is considered pathogenic.

Counsyl
Classification: Likely pathogenic for Breast-ovarian cancer, familial, susceptibility to, 2. Last evaluated: 2015-08-29. Review status: no assertion criteria provided. Collection method: clinical testing. Allele origin: unknown. Not counted in ClinVar's aggregate classification.

Sharing Clinical Reports Project (SCRP)
Classification: Pathogenic for Breast-ovarian cancer, familial 2. Last evaluated: 2009-09-15. Review status: no assertion criteria provided. Collection method: clinical testing. Allele origin: germline. Not counted in ClinVar's aggregate classification.